The following is an entry in ClinVar:

NM_000342.4(SLC4A1):c.*1792G>A

Gene: SLC4A1 (solute carrier family 4 member 1 (Diego blood group); minus strand). Cytogenetic location: 17q21.31.
Variant type: single nucleotide variant.
Coding change: c.*1792G>A on transcript NM_000342.4 (MANE Select); 1792 bases downstream of the stop codon, G replaced by A.
Molecular consequence: 3 prime UTR variant.
Genome position (GRCh38, 1-based): chr17:44,248,666, C>T on the plus strand (G>A on the coding strand, the complement: SLC4A1 is on the minus strand). VCF-style: chr17-44248666-C-T. GRCh37 (hg19) VCF-style: chr17-42326034-C-T.
Identifiers: ClinVar variation 891263 (VCV000891263.4), dbSNP rs143785442, ClinGen allele CA290923888.

ClinVar aggregate classification (germline): Benign/Likely benign. Review status: criteria provided, single submitter (1 of 4 stars). 3 submissions from 1 submitter: Benign (1); Likely benign (2). Last evaluated 2018-01-12.

Conditions:
Hereditary spherocytosis type 4. Also called: SLC4A1-Related Spherocytosis. Identifiers: Orphanet 822, MedGen C2675212, MONDO:0012981, OMIM 612653.
Autosomal dominant distal renal tubular acidosis (DRTA1). Also called: RTA, CLASSIC TYPE; RTA, DISTAL TYPE, AUTOSOMAL DOMINANT; RTA, GRADIENT TYPE; Renal Tubular Acidosis, Type I; RENAL TUBULAR ACIDOSIS, DISTAL, 1. Identifiers: Orphanet 93608, MedGen CN280572, MONDO:0008368, OMIM 179800.
Hemolytic anemia. Identifiers: MedGen C0002878, MONDO:0003664, HP:0001878.

Allele frequency attached by ClinVar (database versions not stated): gnomAD exomes 0.00087; 1000 Genomes Project 0.00140; 1000 Genomes Project 30x 0.00156; gnomAD 0.00178 and 0.00184; TOPMed 0.00252.
gnomAD v4.1: 277 of 154,394 alleles (0.18%); highest among the groups gnomAD compares: Middle Eastern, 1.6%; no homozygotes.

Submissions (3):

Illumina Laboratory Services, Illumina
Classification: Benign for Autosomal dominant distal renal tubular acidosis. Last evaluated: 2018-01-12. Review status: criteria provided, single submitter. Criteria: ICSL Variant Classification Criteria 13 December 2019. Collection method: clinical testing. Allele origin: germline.
Comment: This variant was observed in the ICSL laboratory as part of a predisposition screen in an ostensibly healthy population. It had not been previously curated by ICSL or reported in the Human Gene Mutation Database (HGMD: prior to June 1st, 2018), and was therefore a candidate for classification through an automated scoring system. Utilizing variant allele frequency, disease prevalence and penetrance estimates, and inheritance mode, an automated score was calculated to assess if this variant is too frequent to cause the disease. Based on the score and internal cut-off values, a variant classified as benign is not then subjected to further curation. The score for this variant resulted in a classification of benign for this disease.

Illumina Laboratory Services, Illumina
Classification: Likely benign for Hereditary spherocytosis type 4. Last evaluated: 2018-01-12. Review status: criteria provided, single submitter. Criteria: ICSL Variant Classification Criteria 13 December 2019. Collection method: clinical testing. Allele origin: germline.
Comment: This variant was observed in the ICSL laboratory as part of a predisposition screen in an ostensibly healthy population. It had not been previously curated by ICSL or reported in the Human Gene Mutation Database (HGMD: prior to June 1st, 2018), and was therefore a candidate for classification through an automated scoring system. Utilizing variant allele frequency, disease prevalence and penetrance estimates, and inheritance mode, an automated score was calculated to assess if this variant is too frequent to cause the disease. Based on the score and internal cut-off values, a variant classified as likely benign is not then subjected to further curation. The score for this variant resulted in a classification of likely benign for this disease.

Illumina Laboratory Services, Illumina
Classification: Likely benign for Hemolytic anemia. Last evaluated: 2018-01-12. Review status: criteria provided, single submitter. Criteria: ICSL Variant Classification Criteria 13 December 2019. Collection method: clinical testing. Allele origin: germline.
Comment: the same text as in the submission from Illumina Laboratory Services, Illumina above.